The following is an entry in ClinVar:

ClinVar aggregate classification (germline): Uncertain significance. Review status: criteria provided, multiple submitters, no conflicts (2 of 4 stars). 5 submissions from 5 submitters: Uncertain significance (4). 1 of the submissions does not count toward it. Last evaluated 2025-04-18.

Conditions:
Hereditary breast ovarian cancer syndrome. Also called: Hereditary breast and ovarian cancer; Hereditary breast and ovarian cancer syndrome; Breast and ovarian cancer; Hereditary breast and ovarian cancer syndrome (HBOC); Hereditary breast and/or ovarian cancer syndrome; BRCA1- and BRCA2-Associated Hereditary Breast and Ovarian Cancer. Identifiers: Orphanet 145, MedGen C0677776, MeSH D061325, MONDO:0003582. Disease mechanism: loss of function.
Familial cancer of breast. Also called: BREAST CANCER, FAMILIAL; Hereditary breast cancer; hereditary breast carcinoma. Identifiers: Orphanet 227535, MedGen C0346153, MONDO:0016419, OMIM 114480. Disease mechanism: loss of function.
Fanconi anemia complementation group J. Also called: BRIP1-Related Fanconi Anemia. Identifiers: Orphanet 84, MedGen C1836860, MONDO:0012187, OMIM 609054.
Hereditary cancer-predisposing syndrome. Also called: Hereditary Cancer Syndrome; Neoplastic Syndromes, Hereditary; Tumor predisposition; Hereditary neoplastic syndrome. Identifiers: Orphanet 140162, MedGen C0027672, MeSH D009386, MONDO:0015356.

gnomAD v4.1: 4 of 1,613,722 alleles (0.00025%); highest among the groups gnomAD compares: East Asian, 0.0067%; no homozygotes.

Submissions (5):

Women's Health and Genetics/Laboratory Corporation of America, LabCorp
Classification: Uncertain significance. Last evaluated: 2025-04-18. Review status: criteria provided, single submitter. Criteria: LabCorp Variant Classification Summary - May 2015. Collection method: clinical testing. Allele origin: germline.
Comment: Variant summary: BRIP1 c.1114C>A (p.Leu372Ile) results in a conservative amino acid change located in the Helicase superfamily 1/2, ATP-binding domain, DinG/Rad3-type (IPR014013) of the encoded protein sequence. Three of five in-silico tools predict a damaging effect of the variant on protein function. The variant was absent in 251288 control chromosomes. The available data on variant occurrences in the general population are insufficient to allow any conclusion about variant significance. c.1114C>A has been observed in a study screening for pathogenic variants associated with biliary tract cancer (Okawa_2023). These report(s) do not provide unequivocal conclusions about association of the variant with Hereditary Breast And Ovarian Cancer Syndrome. To our knowledge, no experimental evidence demonstrating an impact on protein function has been reported. The following publication have been ascertained in the context of this evaluation (PMID: 36243179). ClinVar contains an entry for this variant (Variation ID: 186025). Based on the evidence outlined above, the variant was classified as uncertain significance.

Labcorp Genetics (formerly Invitae), Labcorp
Classification: Uncertain significance for Familial cancer of breast; Fanconi anemia complementation group J. Last evaluated: 2024-12-02. Review status: criteria provided, single submitter. Criteria: Invitae Variant Classification Sherloc (09022015). Collection method: clinical testing. Allele origin: germline.
Comment: This sequence change replaces leucine, which is neutral and non-polar, with isoleucine, which is neutral and non-polar, at codon 372 of the BRIP1 protein (p.Leu372Ile). This variant is not present in population databases (gnomAD no frequency). This missense change has been observed in individual(s) with prostate cancer (PMID: 31214711). ClinVar contains an entry for this variant (Variation ID: 186025). Invitae Evidence Modeling of protein sequence and biophysical properties (such as structural, functional, and spatial information, amino acid conservation, physicochemical variation, residue mobility, and thermodynamic stability) indicates that this missense variant is not expected to disrupt BRIP1 protein function with a negative predictive value of 95%. In summary, the available evidence is currently insufficient to determine the role of this variant in disease. Therefore, it has been classified as a Variant of Uncertain Significance.

Ambry Genetics
Classification: Uncertain significance for Hereditary cancer-predisposing syndrome. Last evaluated: 2024-09-19. Review status: criteria provided, single submitter. Criteria: Ambry Variant Classification Scheme 2023. Collection method: clinical testing. Allele origin: germline.
Comment: The p.L372I variant (also known as c.1114C>A), located in coding exon 7 of the BRIP1 gene, results from a C to A substitution at nucleotide position 1114. The leucine at codon 372 is replaced by isoleucine, an amino acid with highly similar properties. This amino acid position is highly conserved in available vertebrate species. In addition, the in silico prediction for this alteration is inconclusive. Based on the available evidence, the clinical significance of this variant remains unclear.

Cancer Genomics Group, Japanese Foundation For Cancer Research
Classification: Uncertain significance for Hereditary breast and ovarian cancer syndrome. Last evaluated: 2019-05-01. Review status: criteria provided, single submitter. Criteria: ACMG Guidelines, 2015. Collection method: research. Allele origin: germline. Affected: yes.

Leiden Open Variation Database
Classification: Uncertain significance. Last evaluated: 2019-08-13. Review status: no assertion criteria provided. Collection method: curation. Allele origin: germline. Affected: yes. Not counted in ClinVar's aggregate classification.
Comment: Curator: Arleen D. Auerbach. Submitter to LOVD: Yukihide Momozawa.

Literature cited by the submitters: PubMed 36243179 (cited by Women's Health and Genetics/Laboratory Corporation of America, LabCorp); PubMed 31214711 (cited by Labcorp Genetics (formerly Invitae), Labcorp and Leiden Open Variation Database).

NM_032043.3(BRIP1):c.1114C>A (p.Leu372Ile)

Gene: BRIP1 (BRCA1 interacting DNA helicase 1; minus strand). Cytogenetic location: 17q23.2.
Variant type: single nucleotide variant.
Coding change: c.1114C>A on transcript NM_032043.3 (MANE Select); coding-DNA position 1114, C replaced by A.
Protein change: p.Leu372Ile; replaces leucine 372 with isoleucine.
Molecular consequence: missense variant.
Genome position (GRCh38, 1-based): chr17:61,801,279, G>T on the plus strand (C>A on the coding strand, the complement: BRIP1 is on the minus strand). VCF-style: chr17-61801279-G-T. GRCh37 (hg19) VCF-style: chr17-59878640-G-T.
Other names: short protein forms L372I.
Identifiers: ClinVar variation 186025 (VCV000186025.20), dbSNP rs786202637, ClinGen allele CA193651.